The following is an entry in ClinVar:

ClinVar aggregate classification (germline): Uncertain significance (1 of 4 stars; one submission).

Conditions:
RYR1-related disorder. Also called: RYR1-related condition; RYR1-related disorders. Identifiers: MedGen CN239331.

Allele frequency attached by ClinVar (database versions not stated): TOPMed 0.00001; gnomAD 0.00002.

Submission:

Labcorp Genetics (formerly Invitae), Labcorp
Classification: Uncertain significance for RYR1-related disorder. Last evaluated: 2023-03-22. Review status: criteria provided, single submitter. Criteria: Invitae Variant Classification Sherloc (09022015). Collection method: clinical testing. Allele origin: germline.
Comment: This sequence change replaces proline, which is neutral and non-polar, with serine, which is neutral and polar, at codon 4472 of the RYR1 protein (p.Pro4472Ser). This variant is present in population databases (no rsID available, gnomAD 0.03%). This variant has not been reported in the literature in individuals affected with RYR1-related conditions. Advanced modeling of protein sequence and biophysical properties (such as structural, functional, and spatial information, amino acid conservation, physicochemical variation, residue mobility, and thermodynamic stability) has been performed at Invitae for this missense variant, however the output from this modeling did not meet the statistical confidence thresholds required to predict the impact of this variant on RYR1 protein function. In summary, the available evidence is currently insufficient to determine the role of this variant in disease. Therefore, it has been classified as a Variant of Uncertain Significance.

NM_000540.3(RYR1):c.13414C>T (p.Pro4472Ser)

Gene: RYR1 (ryanodine receptor 1; plus strand). Cytogenetic location: 19q13.2.
Variant type: single nucleotide variant.
Coding change: c.13414C>T on transcript NM_000540.3 (MANE Select); coding-DNA position 13414, C replaced by T.
Protein change: p.Pro4472Ser; replaces proline 4472 with serine.
Molecular consequence: missense variant.
Genome position (GRCh38, 1-based): chr19:38,565,748, C>T. VCF-style: chr19-38565748-C-T. GRCh37 (hg19) VCF-style: chr19-39056388-C-T.
Other names: c.13399C>T, p.Pro4467Ser (NM_001042723.2); short protein forms P4467S, P4472S.
Identifiers: ClinVar variation 2862732 (VCV002862732.3), dbSNP rs1478455921, ClinGen allele CA405675773.